The following is an entry in ClinVar:

ClinVar aggregate classification (germline): Pathogenic (1 of 4 stars; one submission).

Conditions:
Hyper-IgE recurrent infection syndrome 3, autosomal recessive. Also called: Autosomal recessive hyper-IgE syndrome due to ZNF341 deficiency; HYPER-IgE SYNDROME 3, AUTOSOMAL RECESSIVE, WITH RECURRENT INFECTIONS. Identifiers: Orphanet 641368, MedGen C4748969, MONDO:0032654, OMIM 618282.

Submission:

Labcorp Genetics (formerly Invitae), Labcorp
Classification: Pathogenic for Combined immunodeficiency due to DOCK8 deficiency. Last evaluated: 2021-10-10. Review status: criteria provided, single submitter. Criteria: Invitae Variant Classification Sherloc (09022015). Collection method: clinical testing. Allele origin: germline.
Comment: For these reasons, this variant has been classified as Pathogenic. The region of the DOCK8 gene that includes exon(s) 2-4 has been determined to be clinically significant (Invitae). Therefore, deletions that encompass that region are likely to be disease-causing. A similar copy number variant has been observed in individual(s) with clinical features consistent with hyper IgE syndrome (Invitae). This variant is a gross deletion of the genomic region encompassing exon(s) 2-14 of the DOCK8 gene. This variant would be expected to be in-frame, preserving the integrity of the reading frame.

NC_000009.12:g.(?_271607)_(340341_?)del

Gene: DOCK8 (dedicator of cytokinesis 8; plus strand). Cytogenetic location: 9p24.3.
Variant type: Deletion.
Identifiers: ClinVar variation 831380 (VCV000831380.9).